The following is an entry in ClinVar:

ClinVar aggregate classification (germline): Conflicting classifications of pathogenicity. Review status: criteria provided, conflicting classifications (1 of 4 stars). 4 submissions from 4 submitters: Uncertain significance (1); Benign (1); Likely benign (2). Last evaluated 2026-04-14.

Conditions:
DICER1-related tumor predisposition. Also called: DICER1 syndrome; DICER1-related pleuropulmonary blastoma cancer predisposition syndrome. Identifiers: Orphanet 284343, MedGen C3839822, MONDO:0100216.
Hereditary cancer-predisposing syndrome. Also called: Tumor predisposition; Hereditary Cancer Syndrome; Hereditary neoplastic syndrome; Neoplastic Syndromes, Hereditary. Identifiers: Orphanet 140162, MedGen C0027672, MeSH D009386, MONDO:0015356.

Allele frequency attached by ClinVar (database versions not stated): gnomAD 0.00001; TOPMed below 0.00001.
gnomAD v4.1: 2 of 1,614,060 alleles (0.00012%); highest among the groups gnomAD compares: African/African-American, 0.0013%; no homozygotes.

Submissions (4):

Myriad Genetics, Inc.
Classification: Benign for DICER1-related tumor predisposition. Last evaluated: 2026-04-14. Review status: criteria provided, single submitter. Criteria: Myriad Autosomal Dominant, Autosomal Recessive and X-Linked Classification Criteria (2023). Collection method: clinical testing. Allele origin: unknown.
Comment: This variant is considered benign. This variant is a silent/synonymous amino acid change and it is not expected to impact splicing.

Labcorp Genetics (formerly Invitae), Labcorp
Classification: Likely benign for DICER1-related tumor predisposition. Last evaluated: 2026-01-02. Review status: criteria provided, single submitter. Criteria: Invitae Variant Classification Sherloc (09022015). Collection method: clinical testing. Allele origin: germline.

Hereditary Cancer Group, L’Institut d'Investigació Biomèdica de Bellvitge
Classification: Uncertain significance for Hereditary cancer-predisposing syndrome. Last evaluated: 2024-12-19. Review status: criteria provided, single submitter. Criteria: Hatton et al. (Hum Mutat. 2023). Collection method: clinical testing. Allele origin: germline. Inheritance: Autosomal dominant inheritance. Affected: yes.
Comment: BP4

Ambry Genetics
Classification: Likely benign for Hereditary cancer-predisposing syndrome. Last evaluated: 2018-08-07. Review status: criteria provided, single submitter. Criteria: Ambry Variant Classification Scheme 2023. Collection method: clinical testing. Allele origin: germline.

NM_177438.3(DICER1):c.132A>G (p.Pro44=)

Gene: DICER1 (dicer 1, ribonuclease III; minus strand). Cytogenetic location: 14q32.13.
Variant type: single nucleotide variant.
Coding change: c.132A>G on transcript NM_177438.3 (MANE Select); coding-DNA position 132, A replaced by G.
Protein change: p.Pro44=; no amino-acid change (proline 44 retained).
Molecular consequence: synonymous variant.
Genome position (GRCh38, 1-based): chr14:95,133,327, T>C on the plus strand (A>G on the coding strand, the complement: DICER1 is on the minus strand). VCF-style: chr14-95133327-T-C. GRCh37 (hg19) VCF-style: chr14-95599664-T-C.
Other names: c.132A>G, p.Pro44= (NM_001195573.1, NM_001271282.3, NM_001291628.2 and 1 more transcripts).
Identifiers: ClinVar variation 818952 (VCV000818952.16), dbSNP rs1595468557, ClinGen allele CA487634167.
Genomic context (GRCh38, chr14:95,133,327, plus strand): 5'-ATTCCATTTTAGTGTAGAATGCTCCAGTATTAGTGTTCGCATTAGTACCTGATATTTTCT[T>C]GGCGTATAAATGTTATCATGAATTGCTTCTTGTTGCCATGGCAGTCCAAAGAAAGGACCC-3'
Protein context (NP_803187.1, residues 34-54): QEAIHDNIYT[Pro44=]RKYQVELLEA